The following is an entry in ClinVar:

NM_173560.4(RFX6):c.907C>T (p.Leu303Phe)

Gene: RFX6 (regulatory factor X6; plus strand). Cytogenetic location: 6q22.1.
Variant type: single nucleotide variant.
Coding change: c.907C>T on transcript NM_173560.4 (MANE Select); coding-DNA position 907, C replaced by T.
Protein change: p.Leu303Phe; replaces leucine 303 with phenylalanine.
Molecular consequence: missense variant.
Genome position (GRCh38, 1-based): chr6:116,916,249, C>T. VCF-style: chr6-116916249-C-T. GRCh37 (hg19) VCF-style: chr6-117237412-C-T.
Other names: short protein forms L303F.
Identifiers: ClinVar variation 2121697 (VCV002121697.4), dbSNP rs2482493905, ClinGen allele CA365432517.

ClinVar aggregate classification (germline): Uncertain significance (1 of 4 stars; one submission).

Allele frequency attached by ClinVar (database versions not stated): gnomAD exomes below 0.00001.
gnomAD v4.1: 2 of 1,612,920 alleles (0.00012%); highest among the groups gnomAD compares: African/African-American, 0.0027%; no homozygotes.

Submission:

Labcorp Genetics (formerly Invitae), Labcorp
Classification: Uncertain significance. Last evaluated: 2022-04-08. Review status: criteria provided, single submitter. Criteria: Invitae Variant Classification Sherloc (09022015). Collection method: clinical testing. Allele origin: germline.
Comment: This variant has not been reported in the literature in individuals affected with RFX6-related conditions. This variant is not present in population databases (gnomAD no frequency). This sequence change replaces leucine, which is neutral and non-polar, with phenylalanine, which is neutral and non-polar, at codon 303 of the RFX6 protein (p.Leu303Phe). Algorithms developed to predict the effect of missense changes on protein structure and function are either unavailable or do not agree on the potential impact of this missense change (SIFT: "Deleterious"; PolyPhen-2: "Possibly Damaging"; Align-GVGD: "Class C0"). In summary, the available evidence is currently insufficient to determine the role of this variant in disease. Therefore, it has been classified as a Variant of Uncertain Significance.